The following is an entry in ClinVar:

NM_004370.6(COL12A1):c.1282C>G (p.Gln428Glu)

Gene: COL12A1 (collagen type XII alpha 1 chain; minus strand). Cytogenetic location: 6q13.
Variant type: single nucleotide variant.
Coding change: c.1282C>G on transcript NM_004370.6 (MANE Select); coding-DNA position 1282, C replaced by G.
Protein change: p.Gln428Glu; replaces glutamine 428 with glutamic acid.
Molecular consequence: missense variant. On other transcripts: intron variant (2).
Genome position (GRCh38, 1-based): chr6:75,183,860, G>C on the plus strand (C>G on the coding strand, the complement: COL12A1 is on the minus strand). VCF-style: chr6-75183860-G-C. GRCh37 (hg19) VCF-style: chr6-75893576-G-C.
Other names: c.1282C>G, p.Gln428Glu (NM_001424113.1, NM_001424114.1, NM_001424115.1); c.73+18860C>G (NM_001424116.1, NM_080645.3); short protein forms Q428E.
Identifiers: ClinVar variation 4686974 (VCV004686974.1).

ClinVar aggregate classification (germline): Uncertain significance (1 of 4 stars; one submission).

gnomAD v4.1: 1 of 1,613,932 alleles (0.000062%); highest among the groups gnomAD compares: African/African-American, 0.0013%; no homozygotes.

Submission:

GeneDx
Classification: Uncertain significance. Last evaluated: 2025-07-25. Review status: criteria provided, single submitter. Criteria: GeneDx Variant Classification Process June 2021. Collection method: clinical testing. Allele origin: germline. Affected: yes.
Comment: Not observed at significant frequency in large population cohorts (gnomAD); In silico analysis suggests that this missense variant does not alter protein structure/function; Has not been previously published as pathogenic or benign to our knowledge